The following is an entry in ClinVar:

NM_001394062.1(MACF1):c.12320C>T (p.Ala4107Val)

Gene: MACF1 (microtubule actin crosslinking factor 1; plus strand). Cytogenetic location: 1p34.3.
Variant type: single nucleotide variant.
Coding change: c.12320C>T on transcript NM_001394062.1 (MANE Select); coding-DNA position 12320, C replaced by T.
Protein change: p.Ala4107Val; replaces alanine 4107 with valine.
Molecular consequence: missense variant.
Genome position (GRCh38, 1-based): chr1:39,360,868, C>T. VCF-style: chr1-39360868-C-T. GRCh37 (hg19) VCF-style: chr1-39826540-C-T.
Other names: c.6134C>T, p.Ala2045Val (NM_012090.5); short protein forms A2045V, A4107V.
Identifiers: ClinVar variation 3367610 (VCV003367610.1).

ClinVar aggregate classification (germline): Uncertain significance (1 of 4 stars; one submission).

gnomAD v4.1: 2 of 1,613,948 alleles (0.00012%); highest among the groups gnomAD compares: Non-Finnish European, 0.00017%; no homozygotes.

Submission:

GeneDx
Classification: Uncertain significance. Last evaluated: 2024-01-06. Review status: criteria provided, single submitter. Criteria: GeneDx Variant Classification Process June 2021. Collection method: clinical testing. Allele origin: germline. Affected: yes.
Comment: Not observed at significant frequency in large population cohorts (gnomAD); In silico analysis supports that this missense variant does not alter protein structure/function; Has not been previously published as pathogenic or benign to our knowledge.